The following is an entry in ClinVar:

NM_017999.5(RNF31):c.2569G>A (p.Ala857Thr)

Gene: RNF31 (ring finger protein 31; plus strand). Cytogenetic location: 14q12.
Variant type: single nucleotide variant.
Coding change: c.2569G>A on transcript NM_017999.5 (MANE Select); coding-DNA position 2569, G replaced by A.
Protein change: p.Ala857Thr; replaces alanine 857 with threonine.
Molecular consequence: missense variant.
Genome position (GRCh38, 1-based): chr14:24,157,365, G>A. VCF-style: chr14-24157365-G-A. GRCh37 (hg19) VCF-style: chr14-24626574-G-A.
Other names: c.2116G>A, p.Ala706Thr (NM_001310332.2); short protein forms A706T, A857T.
Identifiers: ClinVar variation 2988855 (VCV002988855.3), dbSNP rs761613885, ClinGen allele CA7126100.

ClinVar aggregate classification (germline): Uncertain significance (1 of 4 stars; one submission).

Allele frequency attached by ClinVar (database versions not stated): gnomAD exomes 0.00002; ExAC 0.00001; TOPMed 0.00002; gnomAD 0.00002.

Submission:

Labcorp Genetics (formerly Invitae), Labcorp
Classification: Uncertain significance. Last evaluated: 2025-06-17. Review status: criteria provided, single submitter. Criteria: Invitae Variant Classification Sherloc (09022015). Collection method: clinical testing. Allele origin: germline.
Comment: This sequence change replaces alanine, which is neutral and non-polar, with threonine, which is neutral and polar, at codon 857 of the RNF31 protein (p.Ala857Thr). This variant is present in population databases (rs761613885, gnomAD 0.003%). This variant has not been reported in the literature in individuals affected with RNF31-related conditions. ClinVar contains an entry for this variant (Variation ID: 2988855). An algorithm developed to predict the effect of missense changes on protein structure and function (PolyPhen-2) suggests that this variant is likely to be disruptive. In summary, the available evidence is currently insufficient to determine the role of this variant in disease. Therefore, it has been classified as a Variant of Uncertain Significance.